The following is an entry in ClinVar:

NM_004525.3(LRP2):c.5005A>G (p.Asn1669Asp)

Gene: LRP2 (LDL receptor related protein 2; minus strand). Cytogenetic location: 2q31.1.
Variant type: single nucleotide variant.
Coding change: c.5005A>G on transcript NM_004525.3 (MANE Select); coding-DNA position 5005, A replaced by G.
Protein change: p.Asn1669Asp; replaces asparagine 1669 with aspartic acid.
Molecular consequence: missense variant.
Genome position (GRCh38, 1-based): chr2:169,233,504, T>C on the plus strand (A>G on the coding strand, the complement: LRP2 is on the minus strand). VCF-style: chr2-169233504-T-C. GRCh37 (hg19) VCF-style: chr2-170090014-T-C.
Other names: short protein forms N1669D.
Identifiers: ClinVar variation 332165 (VCV000332165.19), dbSNP rs143413559, ClinGen allele CA1954647.

ClinVar aggregate classification (germline): Uncertain significance. Review status: criteria provided, multiple submitters, no conflicts (2 of 4 stars). 9 submissions from 9 submitters: Uncertain significance (7). 2 of the submissions do not count toward it. Last evaluated 2024-11-20.

Conditions:
Donnai-Barrow syndrome. Also called: DBS/FOAR SYNDROME; FACIOOCULOACOUSTICORENAL SYNDROME. Identifiers: Orphanet 2143, MedGen C1857277, MONDO:0009104, OMIM 222448.
Intellectual disability. Also called: Intellectual functioning disability; intellectual disabilities; Intellectual developmental disorder. Identifiers: MedGen C3714756, MeSH D008607, MONDO:0001071, HP:0001249.
Hearing loss and Retinal dystrophy.
Inborn genetic diseases. Identifiers: MedGen C0950123, MeSH D030342.

Allele frequency attached by ClinVar (database versions not stated): gnomAD 0.00013; TOPMed 0.00014; ESP Exome Variant Server 0.00015; ExAC 0.00016; gnomAD exomes 0.00017; 1000 Genomes Project 30x 0.00031; 1000 Genomes Project 0.00040.
gnomAD v4.1: 182 of 1,614,184 alleles (0.011%); highest among the groups gnomAD compares: Admixed American, 0.067%; 1 homozygote.

Submissions (9):

Blueprint Genetics
Classification: Uncertain significance. Last evaluated: 2024-11-20. Review status: criteria provided, single submitter. Criteria: ACMG Guidelines, 2015. Collection method: clinical testing. Allele origin: germline.

Fulgent Genetics
Classification: Uncertain significance for Donnai-Barrow syndrome. Last evaluated: 2024-02-27. Review status: criteria provided, single submitter. Criteria: ACMG Guidelines, 2015. Collection method: clinical testing. Allele origin: germline.

Ambry Genetics
Classification: Uncertain significance for Inborn genetic diseases. Last evaluated: 2022-08-17. Review status: criteria provided, single submitter. Criteria: Ambry Variant Classification Scheme 2023. Collection method: clinical testing. Allele origin: germline.

Labcorp Genetics (formerly Invitae), Labcorp
Classification: Uncertain significance. Last evaluated: 2022-08-10. Review status: criteria provided, single submitter. Criteria: Invitae Variant Classification Sherloc (09022015). Collection method: clinical testing. Allele origin: germline.
Comment: This sequence change replaces asparagine, which is neutral and polar, with aspartic acid, which is acidic and polar, at codon 1669 of the LRP2 protein (p.Asn1669Asp). This variant is present in population databases (rs143413559, gnomAD 0.08%), including at least one homozygous and/or hemizygous individual. This variant has not been reported in the literature in individuals affected with LRP2-related conditions. ClinVar contains an entry for this variant (Variation ID: 332165). Advanced modeling of protein sequence and biophysical properties (such as structural, functional, and spatial information, amino acid conservation, physicochemical variation, residue mobility, and thermodynamic stability) performed at Invitae indicates that this missense variant is expected to disrupt LRP2 protein function. In summary, the available evidence is currently insufficient to determine the role of this variant in disease. Therefore, it has been classified as a Variant of Uncertain Significance.

Genome-Nilou Lab
Classification: Uncertain significance for Donnai-Barrow syndrome. Last evaluated: 2021-07-15. Review status: criteria provided, single submitter. Criteria: ACMG Guidelines, 2015. Collection method: clinical testing. Allele origin: germline. Affected: no.

Illumina Laboratory Services, Illumina
Classification: Uncertain significance for Donnai-Barrow syndrome. Last evaluated: 2018-01-13. Review status: criteria provided, single submitter. Criteria: ICSL Variant Classification Criteria 13 December 2019. Collection method: clinical testing. Allele origin: germline.

Breakthrough Genomics
Classification: Uncertain significance. Review status: criteria provided, single submitter. Criteria: ACMG Guidelines, 2015. Collection method: not provided. Allele origin: germline. Inheritance: Autosomal recessive inheritance. Affected: yes.

National Institute on Deafness and Communication Disorders, National Institutes of Health
Classification: Uncertain significance for Hearing loss and Retinal dystrophy. Last evaluated: 2021-02-22. Review status: no assertion criteria provided. Collection method: research. Allele origin: germline. Affected: yes. Observed: 1 compound heterozygote. Segregation with disease observed. Not counted in ClinVar's aggregate classification.

Centre de Biologie Pathologie Génétique, Centre Hospitalier Universitaire de Lille
Classification: Uncertain significance for Intellectual disability. Last evaluated: 2019-01-01. Review status: no assertion criteria provided. Collection method: clinical testing. Allele origin: unknown. Affected: yes. Not counted in ClinVar's aggregate classification.

Literature cited by the submitters: PubMed 26350204 (cited by Ambry Genetics).